The following is an entry in ClinVar:

NM_030665.4(RAI1):c.3121del (p.Ala1041fs)

Gene: RAI1 (retinoic acid induced 1; plus strand). Cytogenetic location: 17p11.2.
Variant type: Deletion.
Coding change: c.3121del on transcript NM_030665.4 (MANE Select); coding-DNA position 3121, one base deleted (G; older notation c.3121delG).
Protein change: p.Ala1041fs; shifts the reading frame from alanine 1041.
Molecular consequence: frameshift variant.
Genome position (GRCh38, 1-based): chr17:17,796,069, G deleted; the last of 4 consecutive G bases (chr17:17,796,066-17,796,069); deleting any one gives the same sequence. VCF-style (leftmost placement, unchanged base first): chr17-17796065-AG-A. GRCh37 (hg19) VCF-style: chr17-17699379-AG-A.
Other names: short protein forms A1041fs.
Identifiers: ClinVar variation 429828 (VCV000429828.2), dbSNP rs1131691617, ClinGen allele CA645369713.
Genomic context (GRCh38, chr17:17,796,065, plus strand): 5'-GCTGCCCAAAGACCTCTTGCTCCCTGAATCCTGCACAGGGCCCCCCCAGGGACAGATGGA[AG>A]GGGCTGGAGCCCCAGGCCGGGGGGCCTCGGAAGGGCTCCCCAGGATGTGTACTCGTTCTC-3'

ClinVar aggregate classification (germline): Pathogenic (1 of 4 stars; one submission).

Submission:

GeneDx
Classification: Pathogenic. Last evaluated: 2015-10-23. Review status: criteria provided, single submitter. Criteria: GeneDx Variant Classification (06012015). Collection method: clinical testing. Allele origin: germline. Affected: yes.
Comment: The c.3121delG pathogenic variant in the RAI1 gene has not been reported previously as a pathogenic variant nor as abenign variant, to our knowledge. The c.3121delG variant causes a frameshift starting with codon Alanine 1041,changes this amino acid to a Leucine residue, and creates a premature Stop codon at position 23 of the new readingframe, denoted p.Ala1041LeufsX23. This variant is predicted to cause loss of normal protein function either throughprotein truncation or nonsense-mediated mRNA decay. The c.3121delG variant was not observed in approximately6,300 individuals of European and African American ancestry in the NHLBI Exome Sequencing Project, indicating itis not a common benign variant in these populations. We interpret c.3121delG as a pathogenic variant.